The following is an entry in ClinVar:

ClinVar aggregate classification (germline): Pathogenic (1 of 4 stars; one submission).

Conditions:
Congenital myopathy. Identifiers: Orphanet 97245, MedGen C0270960, MONDO:0019952.

Submission:

Neurogenetics, Research Centre for Medical Genetics
Classification: Pathogenic for Congenital myopathy. Last evaluated: 2024-09-19. Review status: criteria provided, single submitter. Criteria: ACMG Guidelines, 2015. Collection method: clinical testing. Allele origin: maternal. Inheritance: Oligogenic inheritance. Affected: yes. Observed: 1 heterozygote.
Comment: variant in the TTN gene co-segregate with another LoF variant ((NM_014370.4:c.203_204del, p.(Pro68ArgfsTer55)) in the SRPK3 gene in two male siblings with inborn myopathy

Literature cited by the submitters: DOI 10.1038/s41588-023-01651-0.

NM_001267550.2(TTN):c.42521G>A (p.Trp14174Ter)

Gene: TTN (titin; minus strand). Cytogenetic location: 2q31.2.
Variant type: single nucleotide variant.
Coding change: c.42521G>A on transcript NM_001267550.2 (MANE Select); coding-DNA position 42521, G replaced by A.
Protein change: p.Trp14174Ter; replaces tryptophan 14174 with a stop codon.
Molecular consequence: nonsense.
Genome position (GRCh38, 1-based): chr2:178,633,978, C>T on the plus strand (G>A on the coding strand, the complement: TTN is on the minus strand). VCF-style: chr2-178633978-C-T. GRCh37 (hg19) VCF-style: chr2-179498705-C-T.
Other names: c.37598G>A, p.Trp12533Ter (NM_001256850.1); c.15326G>A, p.Trp5109Ter (NM_003319.4); c.34817G>A, p.Trp11606Ter (NM_133378.4); c.15701G>A, p.Trp5234Ter (NM_133432.3); c.15902G>A, p.Trp5301Ter (NM_133437.4); short protein forms W11606*, W12533*, W14174*, W5109*, W5234*, W5301*.
Identifiers: ClinVar variation 3341104 (VCV003341104.2).